The following is an entry in ClinVar:

NM_001556.3(IKBKB):c.512A>G (p.Lys171Arg)

Gene: IKBKB (inhibitor of nuclear factor kappa B kinase subunit beta; plus strand). Cytogenetic location: 8p11.21.
Variant type: single nucleotide variant.
Coding change: c.512A>G on transcript NM_001556.3 (MANE Select); coding-DNA position 512, A replaced by G.
Protein change: p.Lys171Arg; replaces lysine 171 with arginine.
Molecular consequence: missense variant. On other transcripts: non-coding transcript variant (3).
Genome position (GRCh38, 1-based): chr8:42,306,377, A>G. VCF-style: chr8-42306377-A-G. GRCh37 (hg19) VCF-style: chr8-42163895-A-G.
Other names: c.320A>G, p.Lys107Arg (NM_001190720.3); c.335A>G, p.Lys112Arg (NM_001242778.2); short protein forms K171R, K112R, K107R.
Identifiers: ClinVar variation 422583 (VCV000422583.6), dbSNP rs1064795873, ClinGen allele CA16618642.
Genomic context (GRCh38, chr8:42,306,377, plus strand): 5'-CAGCTTTCTCCTTCCTTTTGTTTTAGTTAATACACAAAATTATTGACCTAGGATATGCCA[A>G]GGAGCTGGATCAGGGCAGTCTTTGCACATCATTCGTGGGGACCCTGCAGTACCTGGTAAG-3'
Protein context (NP_001547.1, residues 161-181): IHKIIDLGYA[Lys171Arg]ELDQGSLCTS

ClinVar aggregate classification (germline): Conflicting classifications of pathogenicity. Review status: criteria provided, conflicting classifications (1 of 4 stars). 3 submissions from 3 submitters: Pathogenic (1); Likely pathogenic (1); Uncertain significance (1). Last evaluated 2025-06-29.

Conditions:
Severe combined immunodeficiency due to IKK2 deficiency. Also called: Immunodeficiency 15; IMMUNODEFICIENCY 15B. Identifiers: Orphanet 397787, MedGen C4747743, MONDO:0014267, OMIM 615592.

Submissions (3):

Labcorp Genetics (formerly Invitae), Labcorp
Classification: Pathogenic for Severe combined immunodeficiency due to IKK2 deficiency. Last evaluated: 2025-06-29. Review status: criteria provided, single submitter. Criteria: Invitae Variant Classification Sherloc (09022015). Collection method: clinical testing. Allele origin: germline.
Comment: This sequence change replaces lysine, which is basic and polar, with arginine, which is basic and polar, at codon 171 of the IKBKB protein (p.Lys171Arg). This variant is not present in population databases (gnomAD no frequency). This missense change has been observed in individual(s) with anhidrotic ectodermodysplasia with immunodeficiency (PMID: 32554083). In at least one individual the variant was observed to be de novo. ClinVar contains an entry for this variant (Variation ID: 422583). Invitae Evidence Modeling of protein sequence and biophysical properties (such as structural, functional, and spatial information, amino acid conservation, physicochemical variation, residue mobility, and thermodynamic stability) indicates that this missense variant is not expected to disrupt IKBKB protein function with a negative predictive value of 95%. Experimental studies have shown that this missense change affects IKBKB function (PMID: 32554083). Algorithms developed to predict the effect of sequence changes on RNA splicing suggest that this variant may disrupt the consensus splice site. For these reasons, this variant has been classified as Pathogenic.

Revvity Omics, Revvity
Classification: Likely pathogenic. Last evaluated: 2023-10-02. Review status: criteria provided, single submitter. Criteria: ACMG Guidelines, 2015. Collection method: clinical testing. Allele origin: germline.

GeneDx
Classification: Uncertain significance. Last evaluated: 2016-11-01. Review status: criteria provided, single submitter. Criteria: GeneDx Variant Classification (06012015). Collection method: clinical testing. Allele origin: germline. Affected: yes.
Comment: The K171R variant in the IKBKB gene has not been reported previously as a pathogenic variant, nor as a benign variant, to our knowledge. The K171R variant is not observed in large population cohorts (Lek et al., 2016; 1000 Genomes Consortium et al., 2015; Exome Variant Server). This substitution occurs at a position that is conserved across species. In silico analysis predicts this variant is probably damaging to the protein structure/function. However, the K171R variant is a conservative amino acid substitution, which is not likely to impact secondary protein structure as these residues share similar properties. Therefore, we interpret K171R as a variant of uncertain significance.

Literature cited by the submitters: PubMed 32554083 (cited by Labcorp Genetics (formerly Invitae), Labcorp).